The following is an entry in ClinVar:

ClinVar aggregate classification (germline): Uncertain significance (1 of 4 stars; one submission).

Conditions:
Fetal akinesia deformation sequence 1 (FADS1). Also called: Fetal akinesia sequence; Pena-Shokeir syndrome type I. Identifiers: Orphanet 994, MedGen C1276035, MONDO:0100101, OMIM 208150, HP:0001989.
Congenital myasthenic syndrome 10. Also called: Myasthenia, limb-girdle, familial. Identifiers: Orphanet 590, MedGen C1850792, MONDO:0009690, OMIM 254300.

Submission:

Labcorp Genetics (formerly Invitae), Labcorp
Classification: Uncertain significance for Congenital myasthenic syndrome 10; Fetal akinesia deformation sequence 1. Last evaluated: 2022-05-08. Review status: criteria provided, single submitter. Criteria: Invitae Variant Classification Sherloc (09022015). Collection method: clinical testing. Allele origin: germline.
Comment: This missense change has been observed in individual(s) with congenital myasthenic syndrome (PMID: 17439981). In at least one individual the data is consistent with being in trans (on the opposite chromosome) from a pathogenic variant. This variant is not present in population databases (gnomAD no frequency). This sequence change replaces alanine, which is neutral and non-polar, with valine, which is neutral and non-polar, at codon 33 of the DOK7 protein (p.Ala33Val). Algorithms developed to predict the effect of missense changes on protein structure and function are either unavailable or do not agree on the potential impact of this missense change (SIFT: "Deleterious"; PolyPhen-2: "Benign"; Align-GVGD: "Class C0"). In summary, the available evidence is currently insufficient to determine the role of this variant in disease. Therefore, it has been classified as a Variant of Uncertain Significance. Algorithms developed to predict the effect of sequence changes on RNA splicing suggest that this variant may disrupt the consensus splice site. Experimental studies have shown that this missense change affects DOK7 function (PMID: 18165682, 20603078).

Literature cited by the submitters: PubMed 17439981; PubMed 18165682; PubMed 20603078.

NM_173660.5(DOK7):c.98C>T (p.Ala33Val)

Gene: DOK7 (docking protein 7; plus strand). Cytogenetic location: 4p16.3.
Variant type: single nucleotide variant.
Coding change: c.98C>T on transcript NM_173660.5 (MANE Select); coding-DNA position 98, C replaced by T.
Protein change: p.Ala33Val; replaces alanine 33 with valine.
Molecular consequence: missense variant.
Genome position (GRCh38, 1-based): chr4:3,463,549, C>T. VCF-style: chr4-3463549-C-T. GRCh37 (hg19) VCF-style: chr4-3465276-C-T.
Other names: c.98C>T, p.Ala33Val (NM_001164673.2, NM_001301071.2, NM_001363811.2); short protein forms A33V.
Identifiers: ClinVar variation 2203503 (VCV002203503.4), dbSNP rs2474962708, ClinGen allele CA356112181.